The following is an entry in ClinVar:

ClinVar aggregate classification (germline): Pathogenic (1 of 4 stars; one submission).

Conditions:
Glutaric aciduria, type 1. Also called: Glutaryl-CoA dehydrogenase deficiency; Glutaric acidemia type I; Glutaricacidemia Type 1; Glutaric Acidemia Type 1; GA I; Glutaricaciduria, type I. Identifiers: Orphanet 25, MedGen C0268595, MONDO:0009281, OMIM 231670.

Submission:

Labcorp Genetics (formerly Invitae), Labcorp
Classification: Pathogenic for Glutaric aciduria, type 1. Last evaluated: 2021-06-23. Review status: criteria provided, single submitter. Criteria: Invitae Variant Classification Sherloc (09022015). Collection method: clinical testing. Allele origin: germline.
Comment: For these reasons, this variant has been classified as Pathogenic. The region of the GCDH gene that includes exon(s) 6 has been determined to be clinically significant (Invitae). Therefore, deletions that encompass that region are likely to disrupt protein function and cause disease. This variant has not been reported in the literature in individuals with GCDH-related conditions. This variant is a gross deletion of the genomic region encompassing exon(s) 6-11 of the GCDH gene. This variant would be expected to be in-frame, preserving the integrity of the reading frame.

NC_000019.9:g.(?_13004287)_(13008687_?)del

Gene: GCDH (glutaryl-CoA dehydrogenase; plus strand). Cytogenetic location: 19p13.2.
Variant type: Deletion.
Identifiers: ClinVar variation 1458728 (VCV001458728.4).